The following is an entry in ClinVar:

NM_199242.3(UNC13D):c.2510G>A (p.Arg837His)

Gene: UNC13D (unc-13 homolog D; minus strand). Cytogenetic location: 17q25.1.
Variant type: single nucleotide variant.
Coding change: c.2510G>A on transcript NM_199242.3 (MANE Select); coding-DNA position 2510, G replaced by A.
Protein change: p.Arg837His; replaces arginine 837 with histidine.
Molecular consequence: missense variant.
Genome position (GRCh38, 1-based): chr17:75,831,286, C>T on the plus strand (G>A on the coding strand, the complement: UNC13D is on the minus strand). VCF-style: chr17-75831286-C-T. GRCh37 (hg19) VCF-style: chr17-73827367-C-T.
Other names: short protein forms R837H.
Identifiers: ClinVar variation 834682 (VCV000834682.7), dbSNP rs780296355, ClinGen allele CA8772488.

ClinVar aggregate classification (germline): Uncertain significance (1 of 4 stars; one submission).

Conditions:
Familial hemophagocytic lymphohistiocytosis 3 (FHL3). Also called: UNC13D-Related Familial Hemophagocytic Lymphohistiocytosis (UNC13D-fHLH). Identifiers: Orphanet 540, MedGen C1837174, MONDO:0012146, OMIM 608898.

Allele frequency attached by ClinVar (database versions not stated): gnomAD exomes 0.00002; ExAC 0.00003; TOPMed 0.00008; gnomAD 0.00011 and 0.00012.
gnomAD v4.1: 44 of 1,613,684 alleles (0.0027%); highest among the groups gnomAD compares: African/African-American, 0.029%; no homozygotes.

Submission:

Labcorp Genetics (formerly Invitae), Labcorp
Classification: Uncertain significance for Familial hemophagocytic lymphohistiocytosis 3. Last evaluated: 2022-03-19. Review status: criteria provided, single submitter. Criteria: Invitae Variant Classification Sherloc (09022015). Collection method: clinical testing. Allele origin: germline.
Comment: This sequence change replaces arginine, which is basic and polar, with histidine, which is basic and polar, at codon 837 of the UNC13D protein (p.Arg837His). This variant is present in population databases (rs780296355, gnomAD 0.04%). This variant has not been reported in the literature in individuals affected with UNC13D-related conditions. ClinVar contains an entry for this variant (Variation ID: 834682). Algorithms developed to predict the effect of missense changes on protein structure and function are either unavailable or do not agree on the potential impact of this missense change (SIFT: "Not Available"; PolyPhen-2: "Possibly Damaging"; Align-GVGD: "Not Available"). In summary, the available evidence is currently insufficient to determine the role of this variant in disease. Therefore, it has been classified as a Variant of Uncertain Significance.